The following is an entry in ClinVar:

ClinVar aggregate classification (germline): Uncertain significance. Review status: criteria provided, multiple submitters, no conflicts (2 of 4 stars). 3 submissions from 3 submitters: Uncertain significance (3). Last evaluated 2025-10-18.

Conditions:
Congenital multicore myopathy with external ophthalmoplegia (CMYO1B). Also called: MULTIMINICORE DISEASE WITH EXTERNAL OPHTHALMOPLEGIA; MULTICORE MYOPATHY; Congenital myopathy 1B, autosomal recessive; Minicore myopathy; Minicore myopathy with external ophthalmoplegia. Identifiers: Orphanet 598, Orphanet 98905, MedGen C1850674, MONDO:0009712, OMIM 255320, HP:0003789.
King Denborough syndrome (KDS). Identifiers: MedGen C1840365, MONDO:0020485, OMIM 619542.
Malignant hyperthermia, susceptibility to, 1 (MHS1). Also called: Malignant hyperthermia suceptibility 1; RYR1-Related Malignant Hyperthermia Susceptibility; Anesthesia related hyperthermia; Malignant hyperpyrexia; Fulminating hyperpyrexia; Pharmacogenic myopathy. Identifiers: Orphanet 423, MedGen C2930980, MONDO:0007783, OMIM 145600.
Congenital myopathy with fiber type disproportion. Also called: Congenital fiber-type disproportion; Congenital fiber-type disproportion myopathy. Identifiers: Orphanet 2020, MedGen C0546264, MONDO:0009711. Inheritance: all.
Central core myopathy (CMYO1A). Also called: CONGENITAL MYOPATHY 1A, AUTOSOMAL DOMINANT, WITH SUSCEPTIBILITY TO MALIGNANT HYPERTHERMIA; Central core disease; Myopathy, central fibrillar. Identifiers: Orphanet 597, MedGen C5830701, MONDO:0007294, OMIM 117000.
RYR1-related disorder. Also called: RYR1-related condition; RYR1-related disorders. Identifiers: MedGen CN239331.
Inborn genetic diseases. Identifiers: MedGen C0950123, MeSH D030342.

Allele frequency attached by ClinVar (database versions not stated): ExAC 0.00003; gnomAD 0.00009; TOPMed 0.00010.
gnomAD v4.1: 23 of 1,613,874 alleles (0.0014%); highest among the groups gnomAD compares: African/African-American, 0.023%; no homozygotes.

Submissions (3):

Ambry Genetics
Classification: Uncertain significance for Inborn genetic diseases. Last evaluated: 2025-10-18. Review status: criteria provided, single submitter. Criteria: Ambry Variant Classification Scheme 2023. Collection method: clinical testing. Allele origin: germline.

Labcorp Genetics (formerly Invitae), Labcorp
Classification: Uncertain significance for RYR1-related disorder. Last evaluated: 2025-09-15. Review status: criteria provided, single submitter. Criteria: Invitae Variant Classification Sherloc (09022015). Collection method: clinical testing. Allele origin: germline.
Comment: This sequence change replaces glycine, which is neutral and non-polar, with serine, which is neutral and polar, at codon 369 of the RYR1 protein (p.Gly369Ser). This variant is present in population databases (rs570010656, gnomAD 0.03%). This variant has not been reported in the literature in individuals affected with RYR1-related conditions. ClinVar contains an entry for this variant (Variation ID: 660241). Invitae Evidence Modeling of protein sequence and biophysical properties (such as structural, functional, and spatial information, amino acid conservation, physicochemical variation, residue mobility, and thermodynamic stability) indicates that this missense variant is expected to disrupt RYR1 protein function with a positive predictive value of 80%. In summary, the available evidence is currently insufficient to determine the role of this variant in disease. Therefore, it has been classified as a Variant of Uncertain Significance.

Fulgent Genetics
Classification: Uncertain significance for Central core myopathy; Malignant hyperthermia, susceptibility to, 1; Congenital myopathy 4A, autosomal dominant; Congenital multicore myopathy with external ophthalmoplegia; King Denborough syndrome. Last evaluated: 2021-09-28. Review status: criteria provided, single submitter. Criteria: ACMG Guidelines, 2015. Collection method: clinical testing. Allele origin: unknown.

NM_000540.3(RYR1):c.1105G>A (p.Gly369Ser)

Gene: RYR1 (ryanodine receptor 1; plus strand). Cytogenetic location: 19q13.2.
Variant type: single nucleotide variant.
Coding change: c.1105G>A on transcript NM_000540.3 (MANE Select); coding-DNA position 1105, G replaced by A.
Protein change: p.Gly369Ser; replaces glycine 369 with serine.
Molecular consequence: missense variant.
Genome position (GRCh38, 1-based): chr19:38,448,796, G>A. VCF-style: chr19-38448796-G-A. GRCh37 (hg19) VCF-style: chr19-38939436-G-A.
Other names: c.1105G>A, p.Gly369Ser (NM_001042723.2); short protein forms G369S.
Identifiers: ClinVar variation 660241 (VCV000660241.11), dbSNP rs570010656, ClinGen allele CA055789.